The following is an entry in ClinVar:

ClinVar aggregate classification (germline): Uncertain significance (1 of 4 stars; one submission).

Conditions:
Inborn genetic diseases. Identifiers: MedGen C0950123, MeSH D030342.

Allele frequency attached by ClinVar (database versions not stated): TOPMed below 0.00001; gnomAD 0.00001; gnomAD exomes 0.00001.
gnomAD v4.1: 20 of 1,583,028 alleles (0.0013%); highest among the groups gnomAD compares: Non-Finnish European, 0.0017%; no homozygotes.

Submission:

Ambry Genetics
Classification: Uncertain significance for Inborn genetic diseases. Last evaluated: 2020-12-07. Review status: criteria provided, single submitter. Criteria: Ambry Variant Classification Scheme 2023. Collection method: clinical testing. Allele origin: germline.
Comment: The c.2054A>G (p.D685G) alteration is located in exon 18 (coding exon 18) of the PLOD3 gene. This alteration results from a A to G substitution at nucleotide position 2054, causing the aspartic acid (D) at amino acid position 685 to be replaced by a glycine (G). The in silico prediction for the p.D685G alteration is inconclusive. Based on insufficient or conflicting evidence, the clinical significance of this alteration remains unclear.

NM_001084.5(PLOD3):c.2054A>G (p.Asp685Gly)

Gene: PLOD3 (procollagen-lysine,2-oxoglutarate 5-dioxygenase 3; minus strand). Cytogenetic location: 7q22.1.
Variant type: single nucleotide variant.
Coding change: c.2054A>G on transcript NM_001084.5 (MANE Select); coding-DNA position 2054, A replaced by G.
Protein change: p.Asp685Gly; replaces aspartic acid 685 with glycine.
Molecular consequence: missense variant.
Genome position (GRCh38, 1-based): chr7:101,206,786, T>C on the plus strand (A>G on the coding strand, the complement: PLOD3 is on the minus strand). VCF-style: chr7-101206786-T-C. GRCh37 (hg19) VCF-style: chr7-100850067-T-C.
Other names: short protein forms D685G.
Identifiers: ClinVar variation 2228137 (VCV002228137.2), dbSNP rs1019713896, ClinGen allele CA163344300.